The following is an entry in ClinVar:

NM_000260.4(MYO7A):c.1343+8G>A

Gene: MYO7A (myosin VIIA; plus strand). Cytogenetic location: 11q13.5.
Variant type: single nucleotide variant.
Coding change: c.1343+8G>A on transcript NM_000260.4 (MANE Select); 8 bases into the intron after coding-DNA position 1343, G replaced by A.
Molecular consequence: intron variant.
Genome position (GRCh38, 1-based): chr11:77,161,123, G>A. VCF-style: chr11-77161123-G-A. GRCh37 (hg19) VCF-style: chr11-76872169-G-A.
Other names: p.?; c.1310+8G>A (NM_001369365.1); c.1343+8G>A (NM_001127180.2).
Identifiers: ClinVar variation 43142 (VCV000043142.25), dbSNP rs2276278, ClinGen allele CA132205.

ClinVar aggregate classification (germline): Benign. Review status: criteria provided, multiple submitters, no conflicts (2 of 4 stars). 14 submissions from 10 submitters: Benign (13). 1 of the submissions does not count toward it. Last evaluated 2026-02-04.

Conditions:
Usher syndrome type 1 (USH1). Also called: RETINITIS PIGMENTOSA AND CONGENITAL DEAFNESS. Identifiers: Orphanet 231169, Orphanet 886, MedGen C1568247, MONDO:0010168, OMIM 276900.
Usher syndrome type 1B (USH1B). Also called: Usher syndrome type IB. Identifiers: MedGen C1848638, MONDO:0700087.
Autosomal recessive nonsyndromic hearing loss 2. Also called: DEAFNESS, AUTOSOMAL RECESSIVE 2; NEUROSENSORY NONSYNDROMIC RECESSIVE DEAFNESS 2. Identifiers: Orphanet 90636, MedGen C1838701, MONDO:0010807, OMIM 600060.
Autosomal dominant nonsyndromic hearing loss 11. Identifiers: Orphanet 90635, MedGen C1832475, MONDO:0011032, OMIM 601317.

Allele frequency attached by ClinVar (database versions not stated): ESP Exome Variant Server 0.08745; TOPMed 0.11054; 1000 Genomes Project 30x 0.15100; 1000 Genomes Project 0.15355.
gnomAD v4.1: 120,423 of 1,613,482 alleles (7.5%); highest among the groups gnomAD compares: East Asian, 28%; 6,123 homozygotes.

Submissions (14):

Labcorp Genetics (formerly Invitae), Labcorp
Classification: Benign. Last evaluated: 2026-02-04. Review status: criteria provided, single submitter. Criteria: Invitae Variant Classification Sherloc (09022015). Collection method: clinical testing. Allele origin: germline.

Women's Health and Genetics/Laboratory Corporation of America, LabCorp
Classification: Benign. Last evaluated: 2025-05-22. Review status: criteria provided, single submitter. Criteria: LabCorp Variant Classification Summary - May 2015. Collection method: clinical testing. Allele origin: germline.

Genome-Nilou Lab
Classification: Benign for Autosomal dominant nonsyndromic hearing loss 11. Last evaluated: 2021-07-01. Review status: criteria provided, single submitter. Criteria: ACMG Guidelines, 2015. Collection method: clinical testing. Allele origin: germline. Affected: no.

Genome-Nilou Lab
Classification: Benign for Autosomal recessive nonsyndromic hearing loss 2. Last evaluated: 2021-07-01. Review status: criteria provided, single submitter. Criteria: ACMG Guidelines, 2015. Collection method: clinical testing. Allele origin: germline. Affected: no.

Genome-Nilou Lab
Classification: Benign for Usher syndrome type 1. Last evaluated: 2021-07-01. Review status: criteria provided, single submitter. Criteria: ACMG Guidelines, 2015. Collection method: clinical testing. Allele origin: germline. Affected: no.

Mayo Clinic Laboratories, Mayo Clinic
Classification: Benign. Last evaluated: 2020-12-03. Review status: criteria provided, single submitter. Criteria: ACMG Guidelines, 2015. Collection method: clinical testing. Allele origin: germline. Observed: 23 variant alleles.

Illumina Laboratory Services, Illumina
Classification: Benign for Autosomal dominant nonsyndromic hearing loss 11. Last evaluated: 2018-01-12. Review status: criteria provided, single submitter. Criteria: ICSL Variant Classification Criteria 13 December 2019. Collection method: clinical testing. Allele origin: germline.
Comment: This variant was observed in the ICSL laboratory as part of a predisposition screen in an ostensibly healthy population. It had not been previously curated by ICSL or reported in the Human Gene Mutation Database (HGMD: prior to June 1st, 2018), and was therefore a candidate for classification through an automated scoring system. Utilizing variant allele frequency, disease prevalence and penetrance estimates, and inheritance mode, an automated score was calculated to assess if this variant is too frequent to cause the disease. Based on the score and internal cut-off values, a variant classified as benign is not then subjected to further curation. The score for this variant resulted in a classification of benign for this disease.

Illumina Laboratory Services, Illumina
Classification: Benign for Usher syndrome type 1. Last evaluated: 2018-01-12. Review status: criteria provided, single submitter. Criteria: ICSL Variant Classification Criteria 13 December 2019. Collection method: clinical testing. Allele origin: germline.
Comment: the same text as in the submission from Illumina Laboratory Services, Illumina above.

Illumina Laboratory Services, Illumina
Classification: Benign for Autosomal recessive nonsyndromic hearing loss 2. Last evaluated: 2018-01-12. Review status: criteria provided, single submitter. Criteria: ICSL Variant Classification Criteria 13 December 2019. Collection method: clinical testing. Allele origin: germline.
Comment: the same text as in the submission from Illumina Laboratory Services, Illumina above.

GeneDx
Classification: Benign. Last evaluated: 2013-02-27. Review status: criteria provided, single submitter. Criteria: GeneDx Variant Classification (06012015). Collection method: clinical testing. Allele origin: germline. Affected: yes.
Comment: This variant is considered likely benign or benign based on one or more of the following criteria: it is a conservative change, it occurs at a poorly conserved position in the protein, it is predicted to be benign by multiple in silico algorithms, and/or has population frequency not consistent with disease.

Laboratory for Molecular Medicine, Mass General Brigham Personalized Medicine
Classification: Benign. Last evaluated: 2008-08-13. Review status: criteria provided, single submitter. Criteria: LMM Criteria. Collection method: clinical testing. Allele origin: germline. Observed: 345 variant alleles.
Comment: c.1343+8G>A in intron 12 of MYO7A: This variant is not expected to have clinical significance because It has also been identified in 28% (2399/8596) of East Asi an chromosomes by the Exome Aggregation Consortium (ExAC; dbSNP rs2276278).

Breakthrough Genomics
Classification: Benign. Review status: criteria provided, single submitter. Criteria: ACMG Guidelines, 2015. Collection method: not provided. Allele origin: germline. Inheritance: Autosomal recessive inheritance. Affected: yes.

PreventionGenetics, part of Exact Sciences
Classification: Benign. Review status: criteria provided, single submitter. Criteria: ACMG Guidelines, 2015. Collection method: clinical testing. Allele origin: germline.

Natera, Inc.
Classification: Benign for Usher syndrome type 1B. Last evaluated: 2020-09-16. Review status: no assertion criteria provided. Collection method: clinical testing. Allele origin: germline. Not counted in ClinVar's aggregate classification.

Literature cited by the submitters: PubMed 10930322 (cited by Laboratory for Molecular Medicine, Mass General Brigham Personalized Medicine); PubMed 8900236 (cited by Laboratory for Molecular Medicine, Mass General Brigham Personalized Medicine); PubMed 9382091 (cited by Laboratory for Molecular Medicine, Mass General Brigham Personalized Medicine); PubMed 16470552 (cited by Laboratory for Molecular Medicine, Mass General Brigham Personalized Medicine); PubMed 15660226 (cited by Laboratory for Molecular Medicine, Mass General Brigham Personalized Medicine).